The following is an entry in ClinVar:

ClinVar aggregate classification (germline): Uncertain significance. Review status: criteria provided, multiple submitters, no conflicts (2 of 4 stars). 5 submissions from 5 submitters: Uncertain significance (5). Last evaluated 2026-02-01.

Conditions:
Hypokalemic periodic paralysis, type 2 (HOKPP2). Identifiers: Orphanet 681, MedGen C2750061, MONDO:0013234, OMIM 613345.
Hyperkalemic periodic paralysis. Also called: Familial hyperkalemic periodic paralysis; Gamstorp disease. Identifiers: Orphanet 682, MedGen C0238357, MONDO:0008224, OMIM 170500, HP:0007215.
Potassium-aggravated myotonia. Also called: MYOTONIA CONGENITA, ACETAZOLAMIDE-RESPONSIVE; MYOTONIA CONGENITA, ATYPICAL; SODIUM CHANNEL MUSCLE DISEASE; Myotonia congenita, atypical, acetazolamide-responsive. Identifiers: Orphanet 612, Orphanet 99734, Orphanet 99735, Orphanet 99736, MedGen C2931826, MONDO:0018959, OMIM 608390.
Paramyotonia congenita of Von Eulenburg. Also called: Paramyotonia Congenita; Eulenburg disease; Myotonia congenita intermittens; Von Eulenburg paramyotonia congenita; PARALYSIS PERIODICA PARAMYOTONICA. Identifiers: Orphanet 684, MedGen C0221055, MONDO:0008195, OMIM 168300. Disease mechanism: loss of function.
Hypokalemic periodic paralysis, type 1. Also called: Hypokalemic Periodic Paralysis Type 1 (AD); HypoPP. Identifiers: Orphanet 681, MedGen C3714580, MONDO:0042979, OMIM 170400.
Congenital myasthenic syndrome 16. Identifiers: Orphanet 590, MedGen C3280112, MONDO:0013620, OMIM 614198.

Allele frequency attached by ClinVar (database versions not stated): TOPMed below 0.00001; ExAC 0.00002; gnomAD 0.00004 and 0.00003.
gnomAD v4.1: 43 of 1,613,652 alleles (0.0027%); highest among the groups gnomAD compares: Middle Eastern, 0.066%; 1 homozygote.

Submissions (5):

CeGaT Center for Human Genetics Tuebingen
Classification: Uncertain significance. Last evaluated: 2026-02-01. Review status: criteria provided, single submitter. Criteria: CeGaT Center For Human Genetics Tuebingen Variant Classification Criteria Version 2. Collection method: clinical testing. Allele origin: germline. Affected: yes. Observed: 1 variant allele.

Labcorp Genetics (formerly Invitae), Labcorp
Classification: Uncertain significance for Hyperkalemic periodic paralysis. Last evaluated: 2025-12-29. Review status: criteria provided, single submitter. Criteria: Invitae Variant Classification Sherloc (09022015). Collection method: clinical testing. Allele origin: germline.
Comment: This sequence change replaces arginine, which is basic and polar, with glutamine, which is neutral and polar, at codon 38 of the SCN4A protein (p.Arg38Gln). This variant is present in population databases (rs772546656, gnomAD 0.02%). This variant has not been reported in the literature in individuals affected with SCN4A-related conditions. ClinVar contains an entry for this variant (Variation ID: 418478). Invitae Evidence Modeling of protein sequence and biophysical properties (such as structural, functional, and spatial information, amino acid conservation, physicochemical variation, residue mobility, and thermodynamic stability) indicates that this missense variant is not expected to disrupt SCN4A protein function with a negative predictive value of 95%. In summary, the available evidence is currently insufficient to determine the role of this variant in disease. Therefore, it has been classified as a Variant of Uncertain Significance.

GeneDx
Classification: Uncertain significance. Last evaluated: 2023-06-28. Review status: criteria provided, single submitter. Criteria: GeneDx Variant Classification Process June 2021. Collection method: clinical testing. Allele origin: germline. Affected: yes.
Comment: Has not been previously published as pathogenic or benign to our knowledge; In silico analysis supports that this missense variant does not alter protein structure/function

Fulgent Genetics
Classification: Uncertain significance for Paramyotonia congenita of Von Eulenburg; Hypokalemic periodic paralysis, type 1; Hyperkalemic periodic paralysis; Potassium-aggravated myotonia; Hypokalemic periodic paralysis, type 2; Congenital myasthenic syndrome 16. Last evaluated: 2021-11-10. Review status: criteria provided, single submitter. Criteria: ACMG Guidelines, 2015. Collection method: clinical testing. Allele origin: unknown.

Revvity Omics, Revvity
Classification: Uncertain significance. Last evaluated: 2020-07-10. Review status: criteria provided, single submitter. Criteria: ACMG Guidelines, 2015. Collection method: clinical testing. Allele origin: germline.

NM_000334.4(SCN4A):c.113G>A (p.Arg38Gln)

Gene: SCN4A (sodium voltage-gated channel alpha subunit 4; minus strand). Cytogenetic location: 17q23.3.
Variant type: single nucleotide variant.
Coding change: c.113G>A on transcript NM_000334.4 (MANE Select); coding-DNA position 113, G replaced by A.
Protein change: p.Arg38Gln; replaces arginine 38 with glutamine.
Molecular consequence: missense variant.
Genome position (GRCh38, 1-based): chr17:63,972,729, C>T on the plus strand (G>A on the coding strand, the complement: SCN4A is on the minus strand). VCF-style: chr17-63972729-C-T. GRCh37 (hg19) VCF-style: chr17-62050089-C-T.
Other names: short protein forms R38Q.
Identifiers: ClinVar variation 418478 (VCV000418478.22), dbSNP rs772546656, ClinGen allele CA8710280.
Genomic context (GRCh38, chr17:63,972,729, plus strand): 5'-AAGTCACTTCGTGGCTTCCGTTCGGGCTCCTCAATCTCCATCTGCTTATTCCGCTGCAGC[C>T]GGGCCTCCTCCTCCACCGCCCGCTGTTCTATGGCTGCCAGTGACTCCCGGGTGAAGGGGC-3'
Protein context (NP_000325.4, residues 28-48): IEQRAVEEEA[Arg38Gln]LQRNKQMEIE